The following is an entry in ClinVar:

ClinVar aggregate classification (germline): Conflicting classifications of pathogenicity. Review status: criteria provided, conflicting classifications (1 of 4 stars). 12 submissions from 12 submitters: Uncertain significance (4); Benign (1); Likely benign (6). 1 of the submissions does not count toward it. Last evaluated 2026-06-01.

Conditions:
MEN1-related disorder. Also called: MEN1-related condition.
Hereditary cancer-predisposing syndrome. Also called: Tumor predisposition; Hereditary neoplastic syndrome; Neoplastic Syndromes, Hereditary; Hereditary Cancer Syndrome. Identifiers: Orphanet 140162, MedGen C0027672, MeSH D009386, MONDO:0015356.
Multiple endocrine neoplasia, type 1 (MEN1). Also called: MEN I; WERMER SYNDROME; Endocrine adenomatosis multiple; MEN 1; MEA I. Identifiers: Orphanet 652, MedGen C0025267, MeSH D018761, MONDO:0007540, OMIM 131100.

Allele frequency attached by ClinVar (database versions not stated): ExAC 0.00016; TOPMed 0.00019; gnomAD 0.00023 and 0.00024.
gnomAD v4.1: 269 of 883,092 alleles (0.03%); highest among the groups gnomAD compares: Non-Finnish European, 0.032%; no homozygotes.

Submissions (12):

CeGaT Center for Human Genetics Tuebingen
Classification: Likely benign. Last evaluated: 2026-06-01. Review status: criteria provided, single submitter. Criteria: CeGaT Center For Human Genetics Tuebingen Variant Classification Criteria Version 2. Collection method: clinical testing. Allele origin: germline. Affected: yes. Observed: 1 variant allele.
Comment: MEN1: BP4

Blueprint Genetics
Classification: Likely benign. Last evaluated: 2024-11-08. Review status: criteria provided, single submitter. Criteria: ACMG Guidelines, 2015. Collection method: clinical testing. Allele origin: germline.

Myriad Genetics, Inc.
Classification: Likely benign for Multiple endocrine neoplasia, type 1. Last evaluated: 2024-10-31. Review status: criteria provided, single submitter. Criteria: Myriad Autosomal Dominant, Autosomal Recessive and X-Linked Classification Criteria (2023). Collection method: clinical testing. Allele origin: unknown.
Comment: This variant is considered likely benign. This variant has been observed at a population frequency that is significantly greater than expected given the associated disease prevalence and penetrance.

All of Us Research Program, National Institutes of Health
Classification: Uncertain significance for Multiple endocrine neoplasia, type 1. Last evaluated: 2024-09-23. Review status: criteria provided, single submitter. Criteria: ACMG Guidelines, 2015. Collection method: clinical testing. Allele origin: germline. Inheritance: Autosomal dominant inheritance. Observed: 55 variant alleles, 55 heterozygotes.
Comment: This variant causes a G to A nucleotide substitution at the -6 position in the 5' untranslated region in the MEN1 gene. To our knowledge, functional studies have not been reported for this variant. This variant has been detected in two individuals with clinically diagnosed with multiple endocrine neoplasia type 1 (MEN1) (PMID: 30324798, 32901291). This variant has been identified in 27/164932 chromosomes in the general population by the Genome Aggregation Database (gnomAD). The available evidence is insufficient to determine the role of this variant in disease conclusively. Therefore, this variant is classified as a Variant of Uncertain Significance.

This study involves interpretation of variants in research participants for the purpose of population health screening. Participant phenotype was not available at the time of variant classification. Additional details can be found in publication PMID: 35346344, PMCID: PMC8962531

Color Diagnostics, LLC DBA Color Health
Classification: Uncertain significance for Multiple endocrine neoplasia, type 1. Last evaluated: 2024-04-18. Review status: criteria provided, single submitter. Criteria: ACMG Guidelines, 2015. Collection method: clinical testing. Allele origin: germline.
Comment: This variant causes a G to A nucleotide substitution at the -6 position in the 5' untranslated region in the MEN1 gene. To our knowledge, functional studies have not been reported for this variant. This variant has been detected in two individuals with clinically diagnosed with multiple endocrine neoplasia type 1 (MEN1) (PMID: 30324798, 32901291). This variant has been identified in 27/164932 chromosomes in the general population by the Genome Aggregation Database (gnomAD). The available evidence is insufficient to determine the role of this variant in disease conclusively. Therefore, this variant is classified as a Variant of Uncertain Significance.

Quest Diagnostics Nichols Institute San Juan Capistrano
Classification: Likely benign. Last evaluated: 2023-06-19. Review status: criteria provided, single submitter. Criteria: Quest Diagnostics criteria. Collection method: clinical testing. Allele origin: unknown.
Comment: The frequency of this variant in the general population is higher than would generally be expected for pathogenic variants in this gene. This variant has been seen where an alternate explanation for disease was also identified.

Women's Health and Genetics/Laboratory Corporation of America, LabCorp
Classification: Benign. Last evaluated: 2022-01-11. Review status: criteria provided, single submitter. Criteria: LabCorp Variant Classification Summary - May 2015. Collection method: clinical testing. Allele origin: germline.
Comment: Variant summary: MEN1 c.-6G>A is located in the untranslated mRNA region upstream of the initiation codon. The variant allele was found at a frequency of 0.00016 in 136404 control chromosomes (gnomAD). The observed variant frequency is approximately 8-fold of the estimated maximal expected allele frequency for a pathogenic variant in MEN1 causing Multiple Endocrine Neoplasia Type 1 phenotype (2.1e-05), strongly suggesting that the variant is benign. c.-6G>A has been reported in the literature in individuals affected with Multiple Endocrine Neoplasia Type 1 (Carvalho_2018, Damjanovic_2020). These reports do not provide unequivocal conclusions about association of the variant with Multiple Endocrine Neoplasia Type 1. A co-occurrence with a pathogenic variant has been reported (MEN1 c.628_631delACAG, p.Thr210SerfsX13; UMD), providing supporting evidence for a benign role. To our knowledge, no experimental evidence demonstrating an impact on protein function has been reported. A ClinVar submitter (evaluation after 2014) cites the variant as likely benign while another ClinVar submitter (evaluation after 2014) cites it as uncertain significance. Based on the evidence outlined above, the variant was classified as benign.

Genetic Services Laboratory, University of Chicago
Classification: Likely benign. Last evaluated: 2021-10-11. Review status: criteria provided, single submitter. Criteria: ACMG Guidelines, 2015. Collection method: clinical testing. Allele origin: germline. Affected: no.

GeneDx
Classification: Likely benign. Last evaluated: 2021-06-15. Review status: criteria provided, single submitter. Criteria: GeneDx Variant Classification Process June 2021. Collection method: clinical testing. Allele origin: germline. Affected: yes.
Comment: Nucleotide substitution has no predicted effect on splicing and is not conserved across species; Has not been previously published as pathogenic or benign to our knowledge; This variant is associated with the following publications: (PMID: 27535533, 32901291)

Baylor Genetics
Classification: Uncertain significance for Multiple endocrine neoplasia, type 1. Last evaluated: 2018-09-06. Review status: criteria provided, single submitter. Criteria: ACMG Guidelines, 2015. Collection method: clinical testing. Allele origin: maternal. Affected: yes.
Comment: This variant was determined to be of uncertain significance according to ACMG Guidelines, 2015 [PMID:25741868].

Ambry Genetics
Classification: Uncertain significance for Hereditary cancer-predisposing syndrome. Last evaluated: 2015-12-29. Review status: criteria provided, single submitter. Criteria: Ambry Variant Classification Scheme 2023. Collection method: clinical testing. Allele origin: germline.
Comment: The c.-6G>A variant is located in the 5' untranslated region (5&rsquo; UTR) of the MEN1 gene. This variant results from a G to A substitution 6 bases upstream from the first translated codon. This variant was not reported in population based cohorts in the following databases: Database of Single Nucleotide Polymorphisms (dbSNP), NHLBI Exome Sequencing Project (ESP), and 1000 Genomes Project. In the ESP, this variant was not observed in 5941 samples (11882 alleles) with coverage at this position. To date, this alteration has been detected with an allele frequency of approximately 0.03% (greater than 7000 alleles tested) in our clinical cohort. This nucleotide position is highly conserved in available vertebrate species. Since supporting evidence is limited at this time, the clinical significance of c.-6G>A remains unclear.

PreventionGenetics, part of Exact Sciences
Classification: Likely benign for MEN1-related condition. Last evaluated: 2023-03-14. Review status: no assertion criteria provided. Collection method: clinical testing. Allele origin: germline. Not counted in ClinVar's aggregate classification.
Comment: This variant is classified as likely benign based on ACMG/AMP sequence variant interpretation guidelines (Richards et al. 2015 PMID: 25741868, with internal and published modifications).

Literature cited by the submitters: PubMed 30324798 (cited by 4 submitters); PubMed 32901291 (cited by 4 submitters).

NM_001370259.2(MEN1):c.-6G>A

Gene: MEN1 (menin 1; minus strand). Cytogenetic location: 11q13.1.
Variant type: single nucleotide variant.
Coding change: c.-6G>A on transcript NM_001370259.2 (MANE Select); 6 bases upstream of the start codon, G replaced by A.
Molecular consequence: 5 prime UTR variant.
Genome position (GRCh38, 1-based): chr11:64,810,115, C>T on the plus strand (G>A on the coding strand, the complement: MEN1 is on the minus strand). VCF-style: chr11-64810115-C-T. GRCh37 (hg19) VCF-style: chr11-64577587-C-T.
Other names: c.-6G>A (NM_000244.4, NM_130799.3, NM_130800.3 and 10 more transcripts).
Identifiers: ClinVar variation 1032379 (VCV001032379.23), dbSNP rs768088337, ClinGen allele CA061457.
Genomic context (GRCh38, chr11:64,810,115, plus strand): 5'-CGTCGTCGATGGAGCGCAGCGGGAACAGCGTCTTCTGGGCGGCCTTCAGCCCCATGGCGG[C>T]GGGCGGTGGGCGGCGGCCTGCAAGGCAAGCCGGGGGAGGGAGGGTCGGGCAGGTTCGGCC-3'